The following is an entry in ClinVar:

NM_001134363.3(RBM20):c.1907G>T (p.Arg636Leu)

Gene: RBM20 (RNA binding motif protein 20; plus strand). Cytogenetic location: 10q25.2.
Variant type: single nucleotide variant.
Coding change: c.1907G>T on transcript NM_001134363.3 (MANE Select); coding-DNA position 1907, G replaced by T.
Protein change: p.Arg636Leu; replaces arginine 636 with leucine.
Molecular consequence: missense variant.
Genome position (GRCh38, 1-based): chr10:110,812,304, G>T. VCF-style: chr10-110812304-G-T. GRCh37 (hg19) VCF-style: chr10-112572062-G-T.
Other names: p.Arg636Leu; short protein forms R636L.
Identifiers: ClinVar variation 2994241 (VCV002994241.6), dbSNP rs267607004, ClinGen allele CA378370312.

ClinVar aggregate classification (germline): Pathogenic/Likely pathogenic. Review status: criteria provided, multiple submitters, no conflicts (2 of 4 stars). 3 submissions from 3 submitters: Pathogenic (1); Likely pathogenic (2). Last evaluated 2025-12-26.

Conditions:
Dilated cardiomyopathy 1DD (CMD1DD). Identifiers: Orphanet 154, MedGen C2750995, MONDO:0013168, OMIM 613172.
Cardiovascular phenotype. Identifiers: MedGen CN230736.

Submissions (3):

Ambry Genetics
Classification: Likely pathogenic for Cardiovascular phenotype. Last evaluated: 2025-12-26. Review status: criteria provided, single submitter. Criteria: Ambry Variant Classification Scheme 2023. Collection method: clinical testing. Allele origin: germline.
Comment: The p.R636L variant (also known as c.1907G>T), located in coding exon 9 of the RBM20 gene, results from a G to T substitution at nucleotide position 1907. The arginine at codon 636 is replaced by leucine, an amino acid with dissimilar properties. This variant was reported in individual(s) with features consistent with RBM20-related cardiomyopathy (Ambry internal data). Another variant at the same codon, p.R636H (c.1907G>A), has been identified in individual(s) with features consistent with RBM20-related cardiomyopathy (Brauch KM et al. J Am Coll Cardiol. 2009;54:930-41). Based on internal structural analysis, this variant disrupts the RSRSP motif of the RS-rich domain of RBM20. (Fenix AM et al. Nat Commun, 2021 Nov;12:6324). This amino acid position is highly conserved in available vertebrate species. In addition, this alteration is predicted to be deleterious by in silico analysis. This variant is considered to be rare based on population cohorts in the Genome Aggregation Database (gnomAD). Based on the majority of available evidence to date, this variant is likely to be pathogenic.

Petrovsky National Research Centre of Surgery, The Federal Agency for Scientific Organizations
Classification: Likely pathogenic for Dilated cardiomyopathy 1DD. Last evaluated: 2024-07-03. Review status: criteria provided, single submitter. Criteria: ACMG Guidelines, 2015. Collection method: clinical testing. Allele origin: germline. Inheritance: Autosomal dominant inheritance. Affected: yes. Observed: 1 heterozygote.
Comment: This variant is absent in The Genome Aggregation Database (gnomAD) v2.1.1 and v4.1.0 (Date of access with 24-06-2024). Most in silico predictors show pathogenic result of the protein change. In addition, other alterations involving the same amino acid, p.Arg636His, p.Arg636Cys, p.Arg636Ser, has been observed in families with dilated cardiomyopathy (PMID: 19712804, 26604136, 21483645, 30547036, 32160020, 20590677, 29961767, 30871351, 31317183, 31737537) and occurs in a RS-rich hot spot region (PMID: 30262925, 22466703). In accordance with ACMG (2015) criteria this variant is classified as Likely Pathogenic with following criteria selected: PM2, PM5, PP3, PM1, PP5, PS4_ Supporting.

Labcorp Genetics (formerly Invitae), Labcorp
Classification: Pathogenic for Dilated cardiomyopathy 1DD. Last evaluated: 2023-10-28. Review status: criteria provided, single submitter. Criteria: Invitae Variant Classification Sherloc (09022015). Collection method: clinical testing. Allele origin: germline.
Comment: This sequence change replaces arginine, which is basic and polar, with leucine, which is neutral and non-polar, at codon 636 of the RBM20 protein (p.Arg636Leu). This variant is not present in population databases (gnomAD no frequency). This missense change has been observed in individual(s) with dilated cardiomyopathy (Invitae). In at least one individual the variant was observed to be de novo. Advanced modeling of protein sequence and biophysical properties (such as structural, functional, and spatial information, amino acid conservation, physicochemical variation, residue mobility, and thermodynamic stability) has been performed at Invitae for this missense variant, however the output from this modeling did not meet the statistical confidence thresholds required to predict the impact of this variant on RBM20 protein function. This variant disrupts the p.Arg636 amino acid residue in RBM20. Other variant(s) that disrupt this residue have been determined to be pathogenic (PMID: 19712804, 20590677, 21483645, 22466703). This suggests that this residue is clinically significant, and that variants that disrupt this residue are likely to be disease-causing. For these reasons, this variant has been classified as Pathogenic.

Literature cited by the submitters: PubMed 34732726 (cited by Ambry Genetics); PubMed 19712804 (cited by Labcorp Genetics (formerly Invitae), Labcorp); PubMed 20590677 (cited by Labcorp Genetics (formerly Invitae), Labcorp); PubMed 21483645 (cited by Labcorp Genetics (formerly Invitae), Labcorp); PubMed 22466703 (cited by Labcorp Genetics (formerly Invitae), Labcorp).